The following is an entry in ClinVar:

ClinVar aggregate classification (germline): Uncertain significance. Review status: criteria provided, multiple submitters, no conflicts (2 of 4 stars). 2 submissions from 2 submitters: Uncertain significance (2). Last evaluated 2024-05-02.

Conditions:
Cornelia de Lange syndrome 1 (CDLS1). Also called: NIPBL-Related Cornelia de Lange Syndrome; Brachmann de Lange syndrome; TYPUS DEGENERATIVUS AMSTELODAMENSIS. Identifiers: Orphanet 199, MedGen C4551851, MONDO:0007387, OMIM 122470.

Allele frequency attached by ClinVar (database versions not stated): gnomAD exomes below 0.00001.
gnomAD v4.1: 1 of 1,607,142 alleles (0.000062%); highest among the groups gnomAD compares: Non-Finnish European, 0.000085%; no homozygotes.

Submissions (2):

Women's Health and Genetics/Laboratory Corporation of America, LabCorp
Classification: Uncertain significance. Last evaluated: 2024-05-02. Review status: criteria provided, single submitter. Criteria: LabCorp Variant Classification Summary - May 2015. Collection method: clinical testing. Allele origin: germline.
Comment: Variant summary: NIPBL c.4920+5T>G alters a non-conserved nucleotide located close to a canonical splice site and therefore could affect mRNA splicing, leading to a significantly altered protein sequence. Consensus agreement among computation tools predict no significant impact on normal splicing. However, these predictions have yet to be confirmed by functional studies. The variant was absent in 249222 control chromosomes. The available data on variant occurrences in the general population are insufficient to allow any conclusion about variant significance. To our knowledge, no occurrence of c.4920+5T>G in individuals affected with Cornelia De Lange Syndrome 1 and no experimental evidence demonstrating its impact on protein function have been reported. ClinVar contains an entry for this variant (Variation ID: 1926816). Based on the evidence outlined above, the variant was classified as uncertain significance.

Labcorp Genetics (formerly Invitae), Labcorp
Classification: Uncertain significance for Cornelia de Lange syndrome 1. Last evaluated: 2022-08-23. Review status: criteria provided, single submitter. Criteria: Invitae Variant Classification Sherloc (09022015). Collection method: clinical testing. Allele origin: germline.
Comment: This variant is not present in population databases (gnomAD no frequency). This variant has not been reported in the literature in individuals affected with NIPBL-related conditions. Variants that disrupt the consensus splice site are a relatively common cause of aberrant splicing (PMID: 17576681, 9536098). Algorithms developed to predict the effect of sequence changes on RNA splicing suggest that this variant is not likely to affect RNA splicing. In summary, the available evidence is currently insufficient to determine the role of this variant in disease. Therefore, it has been classified as a Variant of Uncertain Significance. This sequence change falls in intron 24 of the NIPBL gene. It does not directly change the encoded amino acid sequence of the NIPBL protein. It affects a nucleotide within the consensus splice site.

Literature cited by the submitters: PubMed 17576681 (cited by Labcorp Genetics (formerly Invitae), Labcorp); PubMed 9536098 (cited by Labcorp Genetics (formerly Invitae), Labcorp).

NM_133433.4(NIPBL):c.4920+5T>G

Gene: NIPBL (NIPBL cohesin loading factor; plus strand). Cytogenetic location: 5p13.2.
Variant type: single nucleotide variant.
Coding change: c.4920+5T>G on transcript NM_133433.4 (MANE Select); 5 bases into the intron after coding-DNA position 4920, T replaced by G.
Molecular consequence: intron variant.
Genome position (GRCh38, 1-based): chr5:37,017,167, T>G. VCF-style: chr5-37017167-T-G. GRCh37 (hg19) VCF-style: chr5-37017269-T-G.
Other names: c.4920+5T>G (NM_015384.5).
Identifiers: ClinVar variation 1926816 (VCV001926816.6), dbSNP rs2478280886, ClinGen allele CA2578289323.